The following is an entry in ClinVar:

ClinVar aggregate classification (germline): Likely benign. Review status: criteria provided, multiple submitters, no conflicts (2 of 4 stars). 3 submissions from 3 submitters: Likely benign (3). Last evaluated 2025-12-30.

Allele frequency attached by ClinVar (database versions not stated): ExAC 0.00008; ESP Exome Variant Server 0.00008; gnomAD exomes 0.00008 and 0.00015; TOPMed 0.00012; gnomAD 0.00014; 1000 Genomes Project 30x 0.00016; 1000 Genomes Project 0.00020.
gnomAD v4.1: 231 of 1,613,702 alleles (0.014%); highest among the groups gnomAD compares: Non-Finnish European, 0.019%; no homozygotes.

Submissions (3):

Labcorp Genetics (formerly Invitae), Labcorp
Classification: Likely benign. Last evaluated: 2025-12-30. Review status: criteria provided, single submitter. Criteria: Invitae Variant Classification Sherloc (09022015). Collection method: clinical testing. Allele origin: germline.

Blueprint Genetics
Classification: Likely benign. Last evaluated: 2024-10-10. Review status: criteria provided, single submitter. Criteria: ACMG Guidelines, 2015. Collection method: clinical testing. Allele origin: germline.

GeneDx
Classification: Likely benign. Last evaluated: 2017-04-24. Review status: criteria provided, single submitter. Criteria: GeneDx Variant Classification (06012015). Collection method: clinical testing. Allele origin: germline. Affected: yes.
Comment: This variant is considered likely benign or benign based on one or more of the following criteria: it is a conservative change, it occurs at a poorly conserved position in the protein, it is predicted to be benign by multiple in silico algorithms, and/or has population frequency not consistent with disease.

NM_012062.5(DNM1L):c.1083C>T (p.Cys361=)

Gene: DNM1L (dynamin 1L; plus strand). Cytogenetic location: 12p11.21.
Variant type: single nucleotide variant.
Coding change: c.1083C>T on transcript NM_012062.5 (MANE Select); coding-DNA position 1083, C replaced by T.
Protein change: p.Cys361=; no amino-acid change (cysteine 361 retained).
Molecular consequence: synonymous variant.
Genome position (GRCh38, 1-based): chr12:32,731,017, C>T. VCF-style: chr12-32731017-C-T. GRCh37 (hg19) VCF-style: chr12-32883951-C-T.
Other names: c.1083C>T, p.Cys361= (NM_001278463.2, NM_005690.5, NM_012063.4); c.1122C>T, p.Cys374= (NM_001278464.2, NM_001278465.2, NM_001330380.2); c.474C>T, p.Cys158= (NM_001278466.2).
Identifiers: ClinVar variation 508840 (VCV000508840.10), dbSNP rs202245702, ClinGen allele CA6507466.
Genomic context (GRCh38, chr12:32,731,017, plus strand): 5'-TTGTATCTTCTTTCCCTTTTTGCAATGCCAGAAACCATATACTTCATTGCCTTTCAGATG[C>T]GGTGGTGCTAGAATTTGTTATATTTTCCATGAGACTTTTGGGCGAACCTTAGAATCTGTT-3'
Protein context (NP_036192.2, residues 351-371): TAKYIETSEL[Cys361=]GGARICYIFH